The following is an entry in ClinVar:

ClinVar aggregate classification (germline): Uncertain significance (1 of 4 stars; one submission).

Conditions:
TNF receptor-associated periodic fever syndrome (TRAPS) (FPF). Also called: FAMILIAL HIBERNIAN FEVER; TNF RECEPTOR-ASSOCIATED PERIODIC SYNDROME; TUMOR NECROSIS FACTOR RECEPTOR-ASSOCIATED PERIODIC SYNDROME; Autosomal Dominant Familial Periodic Fever; TNF Receptor-Associated Periodic Fever Syndrome; TNF receptor 1-associated periodic fever syndrome. Identifiers: Orphanet 32960, MedGen C1275126, MONDO:0007727, OMIM 142680.

Submission:

Labcorp Genetics (formerly Invitae), Labcorp
Classification: Uncertain significance for TNF receptor-associated periodic fever syndrome (TRAPS). Last evaluated: 2023-03-30. Review status: criteria provided, single submitter. Criteria: Invitae Variant Classification Sherloc (09022015). Collection method: clinical testing. Allele origin: germline.
Comment: In summary, the available evidence is currently insufficient to determine the role of this variant in disease. Therefore, it has been classified as a Variant of Uncertain Significance. Algorithms developed to predict the effect of missense changes on protein structure and function output the following: SIFT: "Not Available"; PolyPhen-2: "Probably Damaging"; Align-GVGD: "Not Available". The threonine amino acid residue is found in multiple mammalian species, which suggests that this missense change does not adversely affect protein function. This sequence change replaces alanine, which is neutral and non-polar, with threonine, which is neutral and polar, at codon 361 of the TNFRSF1A protein (p.Ala361Thr). This variant is not present in population databases (gnomAD no frequency). This variant has not been reported in the literature in individuals affected with TNFRSF1A-related conditions.

NM_001065.4(TNFRSF1A):c.1081G>A (p.Ala361Thr)

Gene: TNFRSF1A (TNF receptor superfamily member 1A; minus strand). Cytogenetic location: 12p13.31.
Variant type: single nucleotide variant.
Coding change: c.1081G>A on transcript NM_001065.4 (MANE Select); coding-DNA position 1081, G replaced by A.
Protein change: p.Ala361Thr; replaces alanine 361 with threonine.
Molecular consequence: missense variant. On other transcripts: non-coding transcript variant (1).
Genome position (GRCh38, 1-based): chr12:6,329,599, C>T on the plus strand (G>A on the coding strand, the complement: TNFRSF1A is on the minus strand). VCF-style: chr12-6329599-C-T. GRCh37 (hg19) VCF-style: chr12-6438765-C-T.
Other names: c.757G>A, p.Ala253Thr (NM_001346091.2); c.622G>A, p.Ala208Thr (NM_001346092.2); short protein forms A208T, A253T, A361T.
Identifiers: ClinVar variation 2777996 (VCV002777996.3), dbSNP rs2497785712, ClinGen allele CA383545504.